The following is an entry in ClinVar:

ClinVar aggregate classification (germline): Likely pathogenic (1 of 4 stars; one submission).

Conditions:
Niemann-Pick disease, type C1. Also called: NIEMANN-PICK DISEASE, VARIANT TYPE C1; NEUROVISCERAL STORAGE DISEASE WITH VERTICAL SUPRANUCLEAR OPHTHALMOPLEGIA; NIEMANN-PICK DISEASE WITH CHOLESTEROL ESTERIFICATION BLOCK; NIEMANN-PICK DISEASE WITHOUT SPHINGOMYELINASE DEFICIENCY; NIEMANN-PICK DISEASE, CHRONIC NEURONOPATHIC FORM. Identifiers: Orphanet 646, MedGen C3179455, MONDO:0009757, OMIM 257220.

gnomAD v4.1: 5 of 1,609,970 alleles (0.00031%); highest among the groups gnomAD compares: Non-Finnish European, 0.00042%; no homozygotes.

Submission:

Natera, Inc.
Classification: Likely pathogenic for Niemann-Pick disease type C1. Last evaluated: 2024-06-20. Review status: criteria provided, single submitter. Criteria: Natera Variant Classification Schema (03/2026). Collection method: clinical testing. Allele origin: germline.
Comment: The c.1844G>T variant in NPC1 is a missense variant predicted to cause substitution of arginine to leucine at amino acid 615. This variant is rare in the general population with a frequency below the threshold expected for the associated phenotype(s). This variant has been observed in one or more individuals affected with the associated recessive disease, as either homozygous or compound heterozygous with a second variant (PMID: 17160617, 30285904). A different variant at the same position has been determined to be Pathogenic or Likely Pathogenic. Computational prediction algorithms indicate this variant is likely to affect gene or protein function. Given the available evidence, this variant is classified as Likely Pathogenic.

Literature cited by the submitters: PubMed 17160617; PubMed 30285904.

NM_000271.5(NPC1):c.1844G>T (p.Arg615Leu)

Gene: NPC1 (NPC intracellular cholesterol transporter 1; minus strand). Cytogenetic location: 18q11.2.
Variant type: single nucleotide variant.
Coding change: c.1844G>T on transcript NM_000271.5 (MANE Select); coding-DNA position 1844, G replaced by T.
Protein change: p.Arg615Leu; replaces arginine 615 with leucine.
Molecular consequence: missense variant.
Genome position (GRCh38, 1-based): chr18:23,545,063, C>A on the plus strand (G>T on the coding strand, the complement: NPC1 is on the minus strand). VCF-style: chr18-23545063-C-A. GRCh37 (hg19) VCF-style: chr18-21125027-C-A.
Other names: short protein forms R615L.
Identifiers: ClinVar variation 4818051 (VCV004818051.1).